The following is an entry in ClinVar:

NM_001375567.1(FOCAD):c.4155_4156delinsAT (p.Leu1386Phe)

Gene: FOCAD (focadhesin; plus strand). Cytogenetic location: 9p21.3.
Variant type: Indel.
Coding change: c.4155_4156delinsAT on transcript NM_001375567.1 (MANE Select); coding-DNA positions 4155 to 4156, CC replaced by AT.
Protein change: p.Leu1386Phe; replaces leucine 1386 with phenylalanine.
Molecular consequence: missense variant.
Genome position (GRCh38, 1-based): chr9:20,976,442-20,976,443, CC replaced by AT. VCF-style: chr9-20976442-CC-AT. GRCh37 (hg19) VCF-style: chr9-20976441-CC-AT.
Other names: c.4050_4051delinsAT, p.Leu1351Phe (NM_001375568.1, NM_001375570.1); c.4155_4156delinsAT, p.Leu1386Phe (NM_017794.5); short protein forms L1351F, L1386F.
Identifiers: ClinVar variation 3645365 (VCV003645365.2).

ClinVar aggregate classification (germline): Uncertain significance (1 of 4 stars; one submission).

Submission:

Labcorp Genetics (formerly Invitae), Labcorp
Classification: Uncertain significance. Last evaluated: 2024-03-11. Review status: criteria provided, single submitter. Criteria: Invitae Variant Classification Sherloc (09022015). Collection method: clinical testing. Allele origin: germline.
Comment: This sequence change replaces leucine, which is neutral and non-polar, with phenylalanine, which is neutral and non-polar, at codon 1386 of the FOCAD protein (p.Leu1386Phe). Information on the frequency of this variant in the gnomAD database is not available, as this variant may be reported differently in the database. This variant has not been reported in the literature in individuals affected with FOCAD-related conditions. Experimental studies and prediction algorithms are not available or were not evaluated, and the functional significance of this variant is currently unknown. In summary, the available evidence is currently insufficient to determine the role of this variant in disease. Therefore, it has been classified as a Variant of Uncertain Significance.